The following is an entry in ClinVar:

NM_000532.5(PCCB):c.1572C>G (p.Ser524Arg)

Gene: PCCB (propionyl-CoA carboxylase subunit beta; plus strand). Cytogenetic location: 3q22.3.
Variant type: single nucleotide variant.
Coding change: c.1572C>G on transcript NM_000532.5 (MANE Select); coding-DNA position 1572, C replaced by G.
Protein change: p.Ser524Arg; replaces serine 524 with arginine.
Molecular consequence: missense variant.
Genome position (GRCh38, 1-based): chr3:136,329,978, C>G. VCF-style: chr3-136329978-C-G. GRCh37 (hg19) VCF-style: chr3-136048820-C-G.
Other names: c.1632C>G, p.Ser544Arg (NM_001178014.2); short protein forms S524R, S544R.
Identifiers: ClinVar variation 1358439 (VCV001358439.8), dbSNP rs2108241736, ClinGen allele CA354650188.

ClinVar aggregate classification (germline): Uncertain significance (1 of 4 stars; one submission).

Conditions:
Propionic acidemia (PROP). Also called: HYPERGLYCINEMIA WITH KETOACIDOSIS AND LEUKOPENIA; KETOTIC HYPERGLYCINEMIA; GLYCINEMIA, KETOTIC. Identifiers: Orphanet 35, MedGen C0268579, MONDO:0011628, OMIM 606054, HP:0003571.

Submission:

Labcorp Genetics (formerly Invitae), Labcorp
Classification: Uncertain significance for Propionic acidemia. Last evaluated: 2021-06-02. Review status: criteria provided, single submitter. Criteria: Invitae Variant Classification Sherloc (09022015). Collection method: clinical testing. Allele origin: germline.
Comment: This sequence change replaces serine with arginine at codon 524 of the PCCB protein (p.Ser524Arg). The serine residue is highly conserved and there is a moderate physicochemical difference between serine and arginine. This variant is not present in population databases (ExAC no frequency). This variant has not been reported in the literature in individuals with PCCB-related conditions. Advanced modeling of protein sequence and biophysical properties (such as structural, functional, and spatial information, amino acid conservation, physicochemical variation, residue mobility, and thermodynamic stability) performed at Invitae indicates that this missense variant is not expected to disrupt PCCB protein function. In summary, the available evidence is currently insufficient to determine the role of this variant in disease. Therefore, it has been classified as a Variant of Uncertain Significance.